The following is an entry in ClinVar:

NM_001999.4(FBN2):c.904A>G (p.Arg302Gly)

Gene: FBN2 (fibrillin 2; minus strand). Cytogenetic location: 5q23.3.
Variant type: single nucleotide variant.
Coding change: c.904A>G on transcript NM_001999.4 (MANE Select); coding-DNA position 904, A replaced by G.
Protein change: p.Arg302Gly; replaces arginine 302 with glycine.
Molecular consequence: missense variant.
Genome position (GRCh38, 1-based): chr5:128,446,529, T>C on the plus strand (A>G on the coding strand, the complement: FBN2 is on the minus strand). VCF-style: chr5-128446529-T-C. GRCh37 (hg19) VCF-style: chr5-127782222-T-C.
Other names: short protein forms R302G.
Identifiers: ClinVar variation 4871268 (VCV004871268.1).

ClinVar aggregate classification (germline): Uncertain significance (1 of 4 stars; one submission).

Conditions:
Familial thoracic aortic aneurysm and aortic dissection (TAAD). Also called: Thoracic aortic aneurysms and dissections. Identifiers: Orphanet 91387, MedGen C4707243, MONDO:0019625.

Submission:

Ambry Genetics
Classification: Uncertain significance for Familial thoracic aortic aneurysm and aortic dissection. Last evaluated: 2026-06-09. Review status: criteria provided, single submitter. Criteria: Ambry Variant Classification Scheme 2023. Collection method: clinical testing. Allele origin: germline.
Comment: The p.R302G variant (also known as c.904A>G), located in coding exon 7 of the FBN2 gene, results from an A to G substitution at nucleotide position 904. The arginine at codon 302 is replaced by glycine, an amino acid with dissimilar properties. This amino acid position is conserved. In addition, the in silico prediction for this alteration is inconclusive. Based on the available evidence, the clinical significance of this variant remains unclear.